The following is an entry in ClinVar:

ClinVar aggregate classification (germline): Benign/Likely benign. Review status: criteria provided, multiple submitters, no conflicts (2 of 4 stars). 2 submissions from 2 submitters: Benign (1); Likely benign (1). Last evaluated 2025-07-17.

Conditions:
Juvenile polyposis syndrome (JPS). Identifiers: Orphanet 2929, MedGen C0345893, MONDO:0017380, OMIM 174900.

Submissions (2):

Labcorp Genetics (formerly Invitae), Labcorp
Classification: Likely benign for Juvenile polyposis syndrome. Last evaluated: 2025-07-17. Review status: criteria provided, single submitter. Criteria: Invitae Variant Classification Sherloc (09022015). Collection method: clinical testing. Allele origin: germline.

Myriad Genetics, Inc.
Classification: Benign for Juvenile polyposis syndrome. Last evaluated: 2024-07-31. Review status: criteria provided, single submitter. Criteria: Myriad Autosomal Dominant, Autosomal Recessive and X-Linked Classification Criteria (2023). Collection method: clinical testing. Allele origin: unknown.
Comment: This variant is considered benign. This variant is a silent/synonymous amino acid change and it is not expected to impact splicing.

NM_004329.3(BMPR1A):c.315A>C (p.Gly105=)

Gene: BMPR1A (bone morphogenetic protein receptor type 1A; plus strand). Cytogenetic location: 10q23.2.
Variant type: single nucleotide variant.
Coding change: c.315A>C on transcript NM_004329.3 (MANE Select); coding-DNA position 315, A replaced by C.
Protein change: p.Gly105=; no amino-acid change (glycine 105 retained).
Molecular consequence: synonymous variant.
Genome position (GRCh38, 1-based): chr10:86,892,211, A>C. VCF-style: chr10-86892211-A-C. GRCh37 (hg19) VCF-style: chr10-88651968-A-C.
Identifiers: ClinVar variation 1108911 (VCV001108911.10), dbSNP rs2133408970, ClinGen allele CA470305196.